The following is an entry in ClinVar:

ClinVar aggregate classification (germline): Uncertain significance (1 of 4 stars; one submission).

Conditions:
Infantile spasms. Also called: Infantile spasm. Identifiers: MedGen C3887898, HP:0012469.

Allele frequency attached by ClinVar (database versions not stated): gnomAD 0.00001; TOPMed 0.00001; gnomAD exomes 0.00003 and 0.00004; ExAC 0.00008.
gnomAD v4.1: 40 of 1,614,002 alleles (0.0025%); highest among the groups gnomAD compares: Non-Finnish European, 0.0032%; no homozygotes.

Submission:

Labcorp Genetics (formerly Invitae), Labcorp
Classification: Uncertain significance for Infantile spasms. Last evaluated: 2024-03-07. Review status: criteria provided, single submitter. Criteria: Invitae Variant Classification Sherloc (09022015). Collection method: clinical testing. Allele origin: germline.
Comment: This sequence change replaces arginine, which is basic and polar, with glutamine, which is neutral and polar, at codon 606 of the PIK3AP1 protein (p.Arg606Gln). This variant is present in population databases (rs768643466, gnomAD 0.009%). This variant has not been reported in the literature in individuals affected with PIK3AP1-related conditions. ClinVar contains an entry for this variant (Variation ID: 1500992). An algorithm developed to predict the effect of missense changes on protein structure and function (PolyPhen-2) suggests that this variant is likely to be disruptive. In summary, the available evidence is currently insufficient to determine the role of this variant in disease. Therefore, it has been classified as a Variant of Uncertain Significance.

NM_152309.3(PIK3AP1):c.1817G>A (p.Arg606Gln)

Gene: PIK3AP1 (phosphoinositide-3-kinase adaptor protein 1; minus strand). Cytogenetic location: 10q24.1.
Variant type: single nucleotide variant.
Coding change: c.1817G>A on transcript NM_152309.3 (MANE Select); coding-DNA position 1817, G replaced by A.
Protein change: p.Arg606Gln; replaces arginine 606 with glutamine.
Molecular consequence: missense variant.
Genome position (GRCh38, 1-based): chr10:96,620,476, C>T on the plus strand (G>A on the coding strand, the complement: PIK3AP1 is on the minus strand). VCF-style: chr10-96620476-C-T. GRCh37 (hg19) VCF-style: chr10-98380233-C-T.
Other names: short protein forms R606Q.
Identifiers: ClinVar variation 1500992 (VCV001500992.6), dbSNP rs768643466, ClinGen allele CA5626150.